The following is an entry in ClinVar:

ClinVar aggregate classification (germline): Uncertain significance (1 of 4 stars; one submission).

Conditions:
Hereditary cancer-predisposing syndrome. Also called: Neoplastic Syndromes, Hereditary; Tumor predisposition; Hereditary neoplastic syndrome; Hereditary Cancer Syndrome. Identifiers: Orphanet 140162, MedGen C0027672, MeSH D009386, MONDO:0015356.

Submission:

Ambry Genetics
Classification: Uncertain significance for Hereditary cancer-predisposing syndrome. Last evaluated: 2024-02-10. Review status: criteria provided, single submitter. Criteria: Ambry Variant Classification Scheme 2023. Collection method: clinical testing. Allele origin: germline.
Comment: The p.P166T variant (also known as c.496C>A), located in coding exon 4 of the SUFU gene, results from a C to A substitution at nucleotide position 496. The proline at codon 166 is replaced by threonine, an amino acid with highly similar properties. This amino acid position is conserved. In addition, this alteration is predicted to be deleterious by in silico analysis. Based on the available evidence, the clinical significance of this alteration remains unclear.

NM_016169.4(SUFU):c.496C>A (p.Pro166Thr)

Gene: SUFU (SUFU negative regulator of hedgehog signaling; plus strand). Cytogenetic location: 10q24.32.
Variant type: single nucleotide variant.
Coding change: c.496C>A on transcript NM_016169.4 (MANE Select); coding-DNA position 496, C replaced by A.
Protein change: p.Pro166Thr; replaces proline 166 with threonine.
Molecular consequence: missense variant.
Genome position (GRCh38, 1-based): chr10:102,592,623, C>A. VCF-style: chr10-102592623-C-A. GRCh37 (hg19) VCF-style: chr10-104352380-C-A.
Other names: c.496C>A, p.Pro166Thr (NM_001178133.2); short protein forms P166T.
Identifiers: ClinVar variation 3226887 (VCV003226887.1), dbSNP rs2545081026, ClinGen allele CA377908238.
Genomic context (GRCh38, chr10:102,592,623, plus strand): 5'-CCTTGTATCTCTCCCACAGAGAACACCTTCTGCAGTGGGGACCATGTGTCCTGGCACAGC[C>A]CTTTGGATAACAGTGAGTCAAGAATTCAGCACATGCTGCTGACAGAGGACCCACAGATGC-3'
Protein context (NP_057253.2, residues 156-176): CSGDHVSWHS[Pro166Thr]LDNSESRIQH